The following is an entry in ClinVar:

ClinVar aggregate classification (germline): Uncertain significance (1 of 4 stars; one submission).

Conditions:
Kabuki syndrome. Also called: NIIKAWA-KUROKI SYNDROME; Kabuki make-up syndrome. Identifiers: Orphanet 2322, MedGen C0796004, MONDO:0016512.

Submission:

Labcorp Genetics (formerly Invitae), Labcorp
Classification: Uncertain significance for Kabuki syndrome. Last evaluated: 2024-07-31. Review status: criteria provided, single submitter. Criteria: Invitae Variant Classification Sherloc (09022015). Collection method: clinical testing. Allele origin: germline.
Comment: This sequence change replaces alanine, which is neutral and non-polar, with serine, which is neutral and polar, at codon 4792 of the KMT2D protein (p.Ala4792Ser). This variant is not present in population databases (gnomAD no frequency). This variant has not been reported in the literature in individuals affected with KMT2D-related conditions. Advanced modeling of protein sequence and biophysical properties (such as structural, functional, and spatial information, amino acid conservation, physicochemical variation, residue mobility, and thermodynamic stability) has been performed at Invitae for this missense variant, however the output from this modeling did not meet the statistical confidence thresholds required to predict the impact of this variant on KMT2D protein function. In summary, the available evidence is currently insufficient to determine the role of this variant in disease. Therefore, it has been classified as a Variant of Uncertain Significance.

NM_003482.4(KMT2D):c.14374G>T (p.Ala4792Ser)

Gene: KMT2D (lysine methyltransferase 2D; minus strand). Cytogenetic location: 12q13.12.
Variant type: single nucleotide variant.
Coding change: c.14374G>T on transcript NM_003482.4 (MANE Select); coding-DNA position 14374, G replaced by T.
Protein change: p.Ala4792Ser; replaces alanine 4792 with serine.
Molecular consequence: missense variant.
Genome position (GRCh38, 1-based): chr12:49,028,836, C>A on the plus strand (G>T on the coding strand, the complement: KMT2D is on the minus strand). VCF-style: chr12-49028836-C-A. GRCh37 (hg19) VCF-style: chr12-49422619-C-A.
Other names: short protein forms A4792S.
Identifiers: ClinVar variation 3635092 (VCV003635092.2).
Genomic context (GRCh38, chr12:49,028,836, plus strand): 5'-GACTGCCCTCTGATCAGGTTCCCCTCAGCCTCGAGGTACCCCTAGGACACACCTTGGCTG[C>A]AGCAGCAGAGACTGTGAGCATGACTGACACCTCACTTCCTTTGCCCTTTTCCCAAGTTGT-3'
Protein context (NP_003473.3, residues 4782-4802): VSVMLTVSAA[Ala4792Ser]AKNLNGVMVA